The following is an entry in ClinVar:

ClinVar aggregate classification (germline): Likely benign. Review status: criteria provided, single submitter (1 of 4 stars). 2 submissions from 2 submitters: Likely benign (1). 1 of the submissions does not count toward it. Last evaluated 2018-09-04.

Conditions:
KLF4-related disorder. Also called: KLF4-related condition.

Submissions (2):

Labcorp Genetics (formerly Invitae), Labcorp
Classification: Likely benign. Last evaluated: 2018-09-04. Review status: criteria provided, single submitter. Criteria: Invitae Variant Classification Sherloc (09022015). Collection method: clinical testing. Allele origin: germline.

PreventionGenetics, part of Exact Sciences
Classification: Likely benign for KLF4-related condition. Last evaluated: 2020-07-31. Review status: no assertion criteria provided. Collection method: clinical testing. Allele origin: germline. Not counted in ClinVar's aggregate classification.
Comment: This variant is classified as likely benign based on ACMG/AMP sequence variant interpretation guidelines (Richards et al. 2015 PMID: 25741868, with internal and published modifications).

NM_004235.6(KLF4):c.716_766del (p.Gly239_Pro255del)

Gene: KLF4 (KLF transcription factor 4; minus strand). Cytogenetic location: 9q31.2.
Variant type: Deletion.
Coding change: c.716_766del on transcript NM_004235.6 (MANE Select); coding-DNA positions 716 to 766, 51 bases deleted.
Protein change: p.Gly239_Pro255del.
Molecular consequence: inframe deletion.
Genome position (GRCh38, 1-based): chr9:107,487,628-107,487,678, 51 bases deleted. GRCh37 (hg19): chr9:110,249,914-110,249,964.
Other names: c.716_766del, p.Gly239_Pro255del (NM_001314052.2); c.716_766del51 (NM_001314052.1).
Identifiers: ClinVar variation 774467 (VCV000774467.5), dbSNP rs869299423, ClinGen allele CA5173214.